The following is an entry in ClinVar:

ClinVar aggregate classification (germline): Pathogenic. Review status: criteria provided, multiple submitters, no conflicts (2 of 4 stars). 2 submissions from 2 submitters: Pathogenic (2). Last evaluated 2024-05-14.

Conditions:
Retinitis pigmentosa 25 (RP25). Identifiers: Orphanet 791, MedGen C1864446, MONDO:0011272, OMIM 602772.

Submissions (2):

Myriad Genetics, Inc.
Classification: Pathogenic for Retinitis pigmentosa 25. Last evaluated: 2024-05-14. Review status: criteria provided, single submitter. Criteria: Myriad Autosomal Dominant, Autosomal Recessive and X-Linked Classification Criteria (2023). Collection method: clinical testing. Allele origin: unknown.
Comment: NM_001142800.1(EYS):c.1272dupG(C425Vfs*48) is expected to be pathogenic in the context of retinitis pigmentosa, EYS-related. This variant is predicted to lead to an abnormal or absent protein product due to the creation of a premature termination codon in EYS, a gene where loss-of-function variants are known to be pathogenic. Please note: this variant was assessed in the context of healthy population screening.

Labcorp Genetics (formerly Invitae), Labcorp
Classification: Pathogenic. Last evaluated: 2021-01-15. Review status: criteria provided, single submitter. Criteria: Invitae Variant Classification Sherloc (09022015). Collection method: clinical testing. Allele origin: germline.
Comment: This sequence change creates a premature translational stop signal (p.Cys425Valfs*48) in the EYS gene. It is expected to result in an absent or disrupted protein product. This variant is not present in population databases (ExAC no frequency). This variant has not been reported in the literature in individuals with EYS-related conditions. Loss-of-function variants in EYS are known to be pathogenic (PMID: 18836446, 20333770). For these reasons, this variant has been classified as Pathogenic.

Literature cited by the submitters: PubMed 18836446 (cited by Labcorp Genetics (formerly Invitae), Labcorp); PubMed 20333770 (cited by Labcorp Genetics (formerly Invitae), Labcorp).

NM_001142800.2(EYS):c.1272dup (p.Cys425fs)

Gene: EYS (EGF-like photoreceptor maintenance factor; minus strand). Cytogenetic location: 6q12.
Variant type: Duplication.
Coding change: c.1272dup on transcript NM_001142800.2 (MANE Select); coding-DNA position 1272, one base duplicated (G; older notation c.1272dupG).
Protein change: p.Cys425fs; shifts the reading frame from cysteine 425.
Molecular consequence: frameshift variant.
Genome position (GRCh38, 1-based): chr6:65,384,413, C duplicated on the plus strand (G on the coding strand, the reverse complement: EYS is on the minus strand); the first of 2 consecutive C bases (chr6:65,384,413-65,384,414); duplicating either gives the same sequence. VCF-style (leftmost placement, unchanged base first): chr6-65384412-A-AC. GRCh37 (hg19) VCF-style: chr6-66094305-A-AC.
Other names: c.1272dup, p.Cys425fs (NM_001142801.2, NM_001292009.2, NM_198283.2); short protein forms C425fs.
Identifiers: ClinVar variation 1075596 (VCV001075596.8), dbSNP rs2150351865, ClinGen allele CA2499218494.